The following is an entry in ClinVar:

ClinVar aggregate classification (germline): Uncertain significance (1 of 4 stars; one submission).

Allele frequency attached by ClinVar (database versions not stated): ExAC 0.00001.
gnomAD v4.1: 7 of 1,608,558 alleles (0.00044%); highest among the groups gnomAD compares: Middle Eastern, 0.017%; no homozygotes.

Submission:

Ambry Genetics
Classification: Uncertain significance. Last evaluated: 2025-03-04. Review status: criteria provided, single submitter. Criteria: Ambry Variant Classification Scheme 2023. Collection method: clinical testing. Allele origin: germline.
Comment: The p.V1450M variant (also known as c.4348G>A), located in coding exon 19 of the WNK2 gene, results from a G to A substitution at nucleotide position 4348. The valine at codon 1450 is replaced by methionine, an amino acid with highly similar properties. This amino acid position is conserved. In addition, this alteration is predicted to be tolerated by in silico analysis. Based on the available evidence, the clinical significance of this variant remains unclear.

NM_006648.4(WNK2):c.4348G>A (p.Val1450Met)

Gene: WNK2 (WNK lysine deficient protein kinase 2; plus strand). Cytogenetic location: 9q22.31.
Variant type: single nucleotide variant.
Coding change: c.4348G>A on transcript NM_006648.4 (MANE Select); coding-DNA position 4348, G replaced by A.
Protein change: p.Val1450Met; replaces valine 1450 with methionine.
Molecular consequence: missense variant.
Genome position (GRCh38, 1-based): chr9:93,289,102, G>A. VCF-style: chr9-93289102-G-A. GRCh37 (hg19) VCF-style: chr9-96051384-G-A.
Other names: c.4459G>A, p.Val1487Met (NM_001282394.3); short protein forms V1487M, V1450M.
Identifiers: ClinVar variation 2283264 (VCV002283264.3), dbSNP rs762557499, ClinGen allele CA5130305.
Genomic context (GRCh38, chr9:93,289,102, plus strand): 5'-CTCGAGACGTCTCAGCCACTAGCGGAGACTCACGAGGCCCCGCTTGCTGTGCAGCCCCTC[G>A]TGGTGGGCCTAGCACCTTGCACTCCAGCTCCAGAGGCTGCCTCAACCAGGGACGCCAGTG-3'
Protein context (NP_006639.3, residues 1440-1460): HEAPLAVQPL[Val1450Met]VGLAPCTPAP